The following is an entry in ClinVar:

ClinVar aggregate classification (germline): Uncertain significance (1 of 4 stars; one submission).

Conditions:
Cardiovascular phenotype. Identifiers: MedGen CN230736.

Submission:

Ambry Genetics
Classification: Uncertain significance for Cardiovascular phenotype. Last evaluated: 2024-04-05. Review status: criteria provided, single submitter. Criteria: Ambry Variant Classification Scheme 2023. Collection method: clinical testing. Allele origin: germline.
Comment: The p.L374V variant (also known as c.1120C>G), located in coding exon 8 of the KCNQ1 gene, results from a C to G substitution at nucleotide position 1120. The leucine at codon 374 is replaced by valine, an amino acid with highly similar properties. This amino acid position is highly conserved in available vertebrate species. In addition, this alteration is predicted to be deleterious by in silico analysis. Based on the available evidence, the clinical significance of this variant remains unclear.

NM_000218.3(KCNQ1):c.1120C>G (p.Leu374Val)

Gene: KCNQ1 (potassium voltage-gated channel subfamily Q member 1; plus strand). Cytogenetic location: 11p15.5.
Variant type: single nucleotide variant.
Coding change: c.1120C>G on transcript NM_000218.3 (MANE Select); coding-DNA position 1120, C replaced by G.
Protein change: p.Leu374Val; replaces leucine 374 with valine.
Molecular consequence: missense variant. On other transcripts: intron variant (2).
Genome position (GRCh38, 1-based): chr11:2,585,299, C>G. VCF-style: chr11-2585299-C-G. GRCh37 (hg19) VCF-style: chr11-2606529-C-G.
Other names: c.850C>G, p.Leu284Val (NM_001406837.1); c.739C>G, p.Leu247Val (NM_181798.2); c.1032+1754C>G (NM_001406836.1); c.588+1754C>G (NM_001406838.1); short protein forms L374V, L247V, L284V.
Identifiers: ClinVar variation 3287727 (VCV003287727.1).
Genomic context (GRCh38, chr11:2,585,299, plus strand): 5'-AAGGTGCAGCAGAAGCAGAGGCAGAAGCACTTCAACCGGCAGATCCCGGCGGCAGCCTCA[C>G]TCATTCAGGTGCGGTGCCTGCAAGGCCCTGGTCACTGTCATTTTGGTCACTGTTATTGTT-3'
Protein context (NP_000209.2, residues 364-384): FNRQIPAAAS[Leu374Val]IQTAWRCYAA